The following is an entry in ClinVar:

NM_003924.4(PHOX2B):c.797C>G (p.Ala266Gly)

Gene: PHOX2B (paired like homeobox 2B; minus strand). Cytogenetic location: 4p13.
Variant type: single nucleotide variant.
Coding change: c.797C>G on transcript NM_003924.4 (MANE Select); coding-DNA position 797, C replaced by G.
Protein change: p.Ala266Gly; replaces alanine 266 with glycine.
Molecular consequence: missense variant.
Genome position (GRCh38, 1-based): chr4:41,745,955, G>C on the plus strand (C>G on the coding strand, the complement: PHOX2B is on the minus strand). VCF-style: chr4-41745955-G-C. GRCh37 (hg19) VCF-style: chr4-41747972-G-C.
Other names: short protein forms A266G.
Identifiers: ClinVar variation 2762070 (VCV002762070.4), dbSNP rs745709595, ClinGen allele CA356737120.

ClinVar aggregate classification (germline): Uncertain significance. Review status: criteria provided, multiple submitters, no conflicts (2 of 4 stars). 2 submissions from 2 submitters: Uncertain significance (2). Last evaluated 2025-06-22.

Conditions:
Hereditary cancer-predisposing syndrome. Also called: Neoplastic Syndromes, Hereditary; Hereditary Cancer Syndrome; Hereditary neoplastic syndrome; Tumor predisposition. Identifiers: Orphanet 140162, MedGen C0027672, MeSH D009386, MONDO:0015356.
Haddad syndrome (OHD). Also called: Ondine-Hirschsprung disease. Identifiers: Orphanet 99803, MedGen C1859049, MONDO:0020493.

Submissions (2):

Ambry Genetics
Classification: Uncertain significance for Hereditary cancer-predisposing syndrome. Last evaluated: 2025-06-22. Review status: criteria provided, single submitter. Criteria: Ambry Variant Classification Scheme 2023. Collection method: clinical testing. Allele origin: germline.
Comment: The p.A266G variant (also known as c.797C>G), located in coding exon 3 of the PHOX2B gene, results from a C to G substitution at nucleotide position 797. The alanine at codon 266 is replaced by glycine, an amino acid with similar properties. This amino acid position is conserved. In addition, the in silico prediction for this alteration is inconclusive. Based on the available evidence, the clinical significance of this variant remains unclear.

Labcorp Genetics (formerly Invitae), Labcorp
Classification: Uncertain significance for Haddad syndrome. Last evaluated: 2023-09-20. Review status: criteria provided, single submitter. Criteria: Invitae Variant Classification Sherloc (09022015). Collection method: clinical testing. Allele origin: germline.
Comment: In summary, the available evidence is currently insufficient to determine the role of this variant in disease. Therefore, it has been classified as a Variant of Uncertain Significance. Experimental studies and prediction algorithms are not available or were not evaluated, and the functional significance of this variant is currently unknown. This variant has not been reported in the literature in individuals affected with PHOX2B-related conditions. This variant is not present in population databases (gnomAD no frequency). This sequence change replaces alanine, which is neutral and non-polar, with glycine, which is neutral and non-polar, at codon 266 of the PHOX2B protein (p.Ala266Gly).